The following is an entry in ClinVar:

ClinVar aggregate classification (germline): Uncertain significance. Review status: criteria provided, multiple submitters, no conflicts (2 of 4 stars). 4 submissions from 4 submitters: Uncertain significance (4). Last evaluated 2025-09-11.

Conditions:
Long QT syndrome (LQTS). Identifiers: MedGen C0023976, MeSH D008133, MONDO:0002442. Disease mechanism: loss of function. Inheritance: Various modes of inheritance.
Cardiac arrhythmia. Also called: Cardiac rhythm disease; Arrhythmia. Identifiers: MedGen C0003811, MONDO:0007263, HP:0011675.

Allele frequency attached by ClinVar (database versions not stated): gnomAD exomes below 0.00001; TOPMed below 0.00001.
gnomAD v4.1: 4 of 1,612,062 alleles (0.00025%); highest among the groups gnomAD compares: Non-Finnish European, 0.00034%; no homozygotes.

Submissions (4):

Labcorp Genetics (formerly Invitae), Labcorp
Classification: Uncertain significance for Long QT syndrome. Last evaluated: 2025-09-11. Review status: criteria provided, single submitter. Criteria: Invitae Variant Classification Sherloc (09022015). Collection method: clinical testing. Allele origin: germline.
Comment: This sequence change replaces aspartic acid, which is acidic and polar, with asparagine, which is neutral and polar, at codon 976 of the KCNH2 protein (p.Asp976Asn). This variant is not present in population databases (gnomAD no frequency). This variant has not been reported in the literature in individuals affected with KCNH2-related conditions. ClinVar contains an entry for this variant (Variation ID: 928384). An algorithm developed to predict the effect of missense changes on protein structure and function (PolyPhen-2) suggests that this variant is likely to be tolerated. In summary, the available evidence is currently insufficient to determine the role of this variant in disease. Therefore, it has been classified as a Variant of Uncertain Significance.

All of Us Research Program, National Institutes of Health
Classification: Uncertain significance for Long QT syndrome. Last evaluated: 2024-04-16. Review status: criteria provided, single submitter. Criteria: ACMG Guidelines, 2015. Collection method: clinical testing. Allele origin: germline. Inheritance: Autosomal dominant inheritance. Observed: 2 variant alleles, 2 heterozygotes.
Comment: This missense variant replaces aspartic acid with asparagine at codon 976 of the KCNH2 protein. Computational prediction tools and conservation analyses are inconclusive regarding the impact of this variant on the protein function. Computational splicing tools suggest that this variant may not impact RNA splicing. To our knowledge, functional assays have not been performed for this variant nor has this variant been reported in individuals affected with cardiovascular disorders in the literature. This variant has not been identified in the general population by the Genome Aggregation Database (gnomAD). Available evidence is insufficient to determine the role of this variant in disease conclusively. Therefore, this variant is classified as a Variant of Uncertain Significance.

This study involves interpretation of variants in research participants for the purpose of population health screening. Participant phenotype was not available at the time of variant classification. Additional details can be found in publication PMID: 35346344, PMCID: PMC8962531

Color Diagnostics, LLC DBA Color Health
Classification: Uncertain significance for Cardiac arrhythmia. Last evaluated: 2024-03-06. Review status: criteria provided, single submitter. Criteria: ACMG Guidelines, 2015. Collection method: clinical testing. Allele origin: germline.
Comment: This missense variant replaces aspartic acid with asparagine at codon 976 of the KCNH2 protein. Computational prediction suggests that this variant may not impact protein structure and function (internally defined REVEL score threshold <= 0.5, PMID: 27666373). To our knowledge, functional studies have not been reported for this variant. This variant has not been reported in individuals affected with KCNH2-related disorders in the literature. This variant has not been identified in the general population by the Genome Aggregation Database (gnomAD). The available evidence is insufficient to determine the role of this variant in disease conclusively. Therefore, this variant is classified as a Variant of Uncertain Significance.

GeneDx
Classification: Uncertain significance. Last evaluated: 2023-06-10. Review status: criteria provided, single submitter. Criteria: GeneDx Variant Classification Process June 2021. Collection method: clinical testing. Allele origin: germline. Affected: yes.
Comment: Not observed in large population cohorts (gnomAD); In silico analysis, which includes protein predictors and evolutionary conservation, supports that this variant does not alter protein structure/function; Has not been previously published as pathogenic or benign to our knowledge

NM_000238.4(KCNH2):c.2926G>A (p.Asp976Asn)

Gene: KCNH2 (potassium voltage-gated channel subfamily H member 2; minus strand). Cytogenetic location: 7q36.1.
Variant type: single nucleotide variant.
Coding change: c.2926G>A on transcript NM_000238.4 (MANE Select); coding-DNA position 2926, G replaced by A.
Protein change: p.Asp976Asn; replaces aspartic acid 976 with asparagine.
Molecular consequence: missense variant.
Genome position (GRCh38, 1-based): chr7:150,947,645, C>T on the plus strand (G>A on the coding strand, the complement: KCNH2 is on the minus strand). VCF-style: chr7-150947645-C-T. GRCh37 (hg19) VCF-style: chr7-150644733-C-T.
Other names: c.1906G>A, p.Asp636Asn (NM_172057.3); c.2926G>A (NM_000238.2); short protein forms D976N, D636N.
Identifiers: ClinVar variation 928384 (VCV000928384.17), dbSNP rs1800958394, ClinGen allele CA369853122.